The following is an entry in ClinVar:

ClinVar aggregate classification (germline): Uncertain significance. Review status: criteria provided, multiple submitters, no conflicts (2 of 4 stars). 2 submissions from 2 submitters: Uncertain significance (2). Last evaluated 2023-04-12.

Conditions:
Charcot-Marie-Tooth Neuropathy X. Identifiers: MedGen CN118851.
Combined oxidative phosphorylation deficiency. Identifiers: MedGen C4540031, MONDO:0000732.

Submissions (2):

GeneDx
Classification: Uncertain significance. Last evaluated: 2023-04-12. Review status: criteria provided, single submitter. Criteria: GeneDx Variant Classification Process June 2021. Collection method: clinical testing. Allele origin: germline. Affected: yes.
Comment: Not observed at significant frequency in large population cohorts (gnomAD); In silico analysis supports that this missense variant has a deleterious effect on protein structure/function; Has not been previously published as pathogenic or benign to our knowledge

Labcorp Genetics (formerly Invitae), Labcorp
Classification: Uncertain significance for Charcot-Marie-Tooth Neuropathy X; Combined oxidative phosphorylation deficiency. Last evaluated: 2022-12-20. Review status: criteria provided, single submitter. Criteria: Invitae Variant Classification Sherloc (09022015). Collection method: clinical testing. Allele origin: germline.
Comment: In summary, the available evidence is currently insufficient to determine the role of this variant in disease. Therefore, it has been classified as a Variant of Uncertain Significance. Advanced modeling of protein sequence and biophysical properties (such as structural, functional, and spatial information, amino acid conservation, physicochemical variation, residue mobility, and thermodynamic stability) has been performed at Invitae for this missense variant, however the output from this modeling did not meet the statistical confidence thresholds required to predict the impact of this variant on AIFM1 protein function. This variant has not been reported in the literature in individuals affected with AIFM1-related conditions. This variant is not present in population databases (gnomAD no frequency). This sequence change replaces isoleucine, which is neutral and non-polar, with threonine, which is neutral and polar, at codon 394 of the AIFM1 protein (p.Ile394Thr).

NM_004208.4(AIFM1):c.1181T>C (p.Ile394Thr)

Genes: AIFM1 (apoptosis inducing factor mitochondria associated 1; minus strand), RAB33A (RAB33A, member RAS oncogene family; plus strand). Cytogenetic location: Xq26.1.
Variant type: single nucleotide variant.
Coding change: c.1181T>C on transcript NM_004208.4 (MANE Select); coding-DNA position 1181, T replaced by C.
Protein change: p.Ile394Thr; replaces isoleucine 394 with threonine.
Molecular consequence: missense variant. On other transcripts: 3 prime UTR variant (1), non-coding transcript variant (1).
Genome position (GRCh38, 1-based): chrX:130,136,169, A>G on the plus strand (T>C on the coding strand, the complement: AIFM1 is on the minus strand). VCF-style: chrX-130136169-A-G. GRCh37 (hg19) VCF-style: chrX-129270144-A-G.
Other names: c.1181T>C (NM_004208.3); c.164T>C, p.Ile55Thr (NM_001130846.4); c.*409T>C (NM_001130847.4); c.1169T>C, p.Ile390Thr (NM_145812.3); short protein forms I55T, I394T, I390T.
Identifiers: ClinVar variation 2098286 (VCV002098286.5), dbSNP rs2523117658, ClinGen allele CA414575622.